The following is an entry in ClinVar:

NM_001957.4(EDNRA):c.1140C>G (p.Phe380Leu)

Gene: EDNRA (endothelin receptor type A; plus strand). Cytogenetic location: 4q31.23.
Variant type: single nucleotide variant.
Coding change: c.1140C>G on transcript NM_001957.4 (MANE Select); coding-DNA position 1140, C replaced by G.
Protein change: p.Phe380Leu; replaces phenylalanine 380 with leucine.
Molecular consequence: missense variant. On other transcripts: non-coding transcript variant (3).
Genome position (GRCh38, 1-based): chr4:147,540,482, C>G. VCF-style: chr4-147540482-C-G. GRCh37 (hg19) VCF-style: chr4-148461634-C-G.
Other names: c.813C>G, p.Phe271Leu (NM_001166055.2); short protein forms F271L, F380L.
Identifiers: ClinVar variation 3674936 (VCV003674936.2).

ClinVar aggregate classification (germline): Uncertain significance (1 of 4 stars; one submission).

Submission:

Labcorp Genetics (formerly Invitae), Labcorp
Classification: Uncertain significance. Last evaluated: 2024-12-21. Review status: criteria provided, single submitter. Criteria: Invitae Variant Classification Sherloc (09022015). Collection method: clinical testing. Allele origin: germline.
Comment: This sequence change replaces phenylalanine, which is neutral and non-polar, with leucine, which is neutral and non-polar, at codon 380 of the EDNRA protein (p.Phe380Leu). This variant is not present in population databases (gnomAD no frequency). This variant has not been reported in the literature in individuals affected with EDNRA-related conditions. Invitae Evidence Modeling of protein sequence and biophysical properties (such as structural, functional, and spatial information, amino acid conservation, physicochemical variation, residue mobility, and thermodynamic stability) indicates that this missense variant is not expected to disrupt EDNRA protein function with a negative predictive value of 80%. In summary, the available evidence is currently insufficient to determine the role of this variant in disease. Therefore, it has been classified as a Variant of Uncertain Significance.